The following is an entry in ClinVar:

ClinVar aggregate classification (germline): Uncertain significance (1 of 4 stars; one submission).

Conditions:
Argininosuccinate lyase deficiency. Also called: ARGININOSUCCINIC ACID LYASE DEFICIENCY; ASL DEFICIENCY; Argininosuccinic aciduria. Identifiers: Orphanet 23, MedGen C0268547, MONDO:0008815, OMIM 207900, HP:0025630.

Submission:

Labcorp Genetics (formerly Invitae), Labcorp
Classification: Uncertain significance for Argininosuccinate lyase deficiency. Last evaluated: 2024-01-29. Review status: criteria provided, single submitter. Criteria: Invitae Variant Classification Sherloc (09022015). Collection method: clinical testing. Allele origin: germline.
Comment: This sequence change replaces cysteine, which is neutral and slightly polar, with serine, which is neutral and polar, at codon 129 of the ASL protein (p.Cys129Ser). This variant is not present in population databases (gnomAD no frequency). This variant has not been reported in the literature in individuals affected with ASL-related conditions. ClinVar contains an entry for this variant (Variation ID: 2113573). Advanced modeling of protein sequence and biophysical properties (such as structural, functional, and spatial information, amino acid conservation, physicochemical variation, residue mobility, and thermodynamic stability) has been performed at Invitae for this missense variant, however the output from this modeling did not meet the statistical confidence thresholds required to predict the impact of this variant on ASL protein function. In summary, the available evidence is currently insufficient to determine the role of this variant in disease. Therefore, it has been classified as a Variant of Uncertain Significance.

NM_000048.4(ASL):c.385T>A (p.Cys129Ser)

Gene: ASL (argininosuccinate lyase; plus strand). Cytogenetic location: 7q11.21.
Variant type: single nucleotide variant.
Coding change: c.385T>A on transcript NM_000048.4 (MANE Select); coding-DNA position 385, T replaced by A.
Protein change: p.Cys129Ser; replaces cysteine 129 with serine.
Molecular consequence: missense variant.
Genome position (GRCh38, 1-based): chr7:66,083,113, T>A. VCF-style: chr7-66083113-T-A. GRCh37 (hg19) VCF-style: chr7-65548100-T-A.
Other names: c.385T>A, p.Cys129Ser (NM_001024943.2, NM_001024944.2, NM_001024946.2); short protein forms C129S.
Identifiers: ClinVar variation 2113573 (VCV002113573.4), dbSNP rs1786558658, ClinGen allele CA367639344.